The following is an entry in ClinVar:

ClinVar aggregate classification (germline): Uncertain significance (1 of 4 stars; one submission).

Conditions:
Tuberous sclerosis 1 (TSC1). Identifiers: Orphanet 805, MedGen C1854465, MONDO:0008612, OMIM 191100.

Submission:

Labcorp Genetics (formerly Invitae), Labcorp
Classification: Uncertain significance for Tuberous sclerosis 1. Last evaluated: 2021-09-09. Review status: criteria provided, single submitter. Criteria: Invitae Variant Classification Sherloc (09022015). Collection method: clinical testing. Allele origin: germline.
Comment: This variant occurs in a non-coding region of the TSC1 gene. It does not change the encoded amino acid sequence of the TSC1 protein. This variant has not been reported in the literature in individuals affected with TSC1-related conditions. Experimental studies and prediction algorithms are not available or were not evaluated, and the functional significance of this variant is currently unknown. In summary, the available evidence is currently insufficient to determine the role of this variant in disease. Therefore, it has been classified as a Variant of Uncertain Significance.

NC_000009.11:g.(?_135819930)_(135946065_?)dup

Genes: CEL (carboxyl ester lipase; plus strand), GFI1B (growth factor independent 1B transcriptional repressor; plus strand), GTF3C5 (general transcription factor IIIC subunit 5; plus strand), TSC1 (TSC complex subunit 1; minus strand). Cytogenetic location: 9q34.13-34.2.
Variant type: Duplication.
Identifiers: ClinVar variation 1409567 (VCV001409567.1).